The following is an entry in ClinVar:

ClinVar aggregate classification (germline): Uncertain significance. Review status: criteria provided, multiple submitters, no conflicts (2 of 4 stars). 2 submissions from 2 submitters: Uncertain significance (2). Last evaluated 2024-07-01.

Conditions:
Inborn genetic diseases. Identifiers: MedGen C0950123, MeSH D030342.

Allele frequency attached by ClinVar (database versions not stated): gnomAD exomes below 0.00001; TOPMed below 0.00001.
gnomAD v4.1: 2 of 1,613,984 alleles (0.00012%); highest among the groups gnomAD compares: Non-Finnish European, 0.00017%; no homozygotes.

Submissions (2):

Blueprint Genetics
Classification: Uncertain significance. Last evaluated: 2024-07-01. Review status: criteria provided, single submitter. Criteria: ACMG Guidelines, 2015. Collection method: clinical testing. Allele origin: germline.

Ambry Genetics
Classification: Uncertain significance for Inborn genetic diseases. Last evaluated: 2016-12-21. Review status: criteria provided, single submitter. Criteria: Ambry Variant Classification Scheme 2023. Collection method: clinical testing. Allele origin: germline.
Comment: The p.D254G variant (also known as c.761A>G), located in coding exon 9 of the ATP13A2 gene, results from an A to G substitution at nucleotide position 761. The aspartic acid at codon 254 is replaced by glycine, an amino acid with similar properties. This amino acid position is well conserved in available vertebrate species. In addition, the in silico prediction for this alteration is inconclusive. Since supporting evidence is limited at this time, the clinical significance of this variant remains unclear.

NM_022089.4(ATP13A2):c.761A>G (p.Asp254Gly)

Gene: ATP13A2 (ATPase cation transporting 13A2; minus strand). Cytogenetic location: 1p36.13.
Variant type: single nucleotide variant.
Coding change: c.761A>G on transcript NM_022089.4 (MANE Select); coding-DNA position 761, A replaced by G.
Protein change: p.Asp254Gly; replaces aspartic acid 254 with glycine.
Molecular consequence: missense variant.
Genome position (GRCh38, 1-based): chr1:17,000,479, T>C on the plus strand (A>G on the coding strand, the complement: ATP13A2 is on the minus strand). VCF-style: chr1-17000479-T-C. GRCh37 (hg19) VCF-style: chr1-17326974-T-C.
Other names: c.746A>G, p.Asp249Gly (NM_001141973.3, NM_001141974.3); short protein forms D254G, D249G.
Identifiers: ClinVar variation 588563 (VCV000588563.6), dbSNP rs1557704196, ClinGen allele CA338258588.